The following is an entry in ClinVar:

ClinVar aggregate classification (germline): Likely pathogenic (1 of 4 stars; one submission).

Conditions:
Alstrom syndrome (ALMS). Identifiers: Orphanet 64, MedGen C0268425, MONDO:0008763, OMIM 203800.

Allele frequency attached by ClinVar (database versions not stated): gnomAD exomes below 0.00001.
gnomAD v4.1: 1 of 1,613,924 alleles (0.000062%); highest among the groups gnomAD compares: Non-Finnish European, 0.000085%; no homozygotes.

Submission:

Labcorp Genetics (formerly Invitae), Labcorp
Classification: Likely pathogenic for Alstrom syndrome. Last evaluated: 2022-06-13. Review status: criteria provided, single submitter. Criteria: Invitae Variant Classification Sherloc (09022015). Collection method: clinical testing. Allele origin: germline.
Comment: In summary, the currently available evidence indicates that the variant is pathogenic, but additional data are needed to prove that conclusively. Therefore, this variant has been classified as Likely Pathogenic. Algorithms developed to predict the effect of sequence changes on RNA splicing suggest that this variant may disrupt the consensus splice site. This variant has not been reported in the literature in individuals affected with ALMS1-related conditions. This variant is not present in population databases (gnomAD no frequency). This sequence change affects a donor splice site in intron 16 of the ALMS1 gene. It is expected to disrupt RNA splicing. Variants that disrupt the donor or acceptor splice site typically lead to a loss of protein function (PMID: 16199547), and loss-of-function variants in ALMS1 are known to be pathogenic (PMID: 17594715).

Literature cited by the submitters: PubMed 16199547; PubMed 17594715.

NM_001378454.1(ALMS1):c.11547+2T>C

Gene: ALMS1 (ALMS1 centrosome and basal body associated protein; plus strand). Cytogenetic location: 2p13.1.
Variant type: single nucleotide variant.
Coding change: c.11547+2T>C on transcript NM_001378454.1 (MANE Select); the canonical splice donor site of the intron after coding-DNA position 11547, T replaced by C.
Molecular consequence: splice donor variant.
Genome position (GRCh38, 1-based): chr2:73,573,426, T>C. VCF-style: chr2-73573426-T-C. GRCh37 (hg19) VCF-style: chr2-73800553-T-C.
Other names: c.11547+2T>C (NM_015120.4).
Identifiers: ClinVar variation 2005974 (VCV002005974.4), dbSNP rs2466448279, ClinGen allele CA347290818.